The following is an entry in ClinVar:

NM_001845.6(COL4A1):c.1174G>C (p.Glu392Gln)

Gene: COL4A1 (collagen type IV alpha 1 chain; minus strand). Cytogenetic location: 13q34.
Variant type: single nucleotide variant.
Coding change: c.1174G>C on transcript NM_001845.6 (MANE Select); coding-DNA position 1174, G replaced by C.
Protein change: p.Glu392Gln; replaces glutamic acid 392 with glutamine.
Molecular consequence: missense variant.
Genome position (GRCh38, 1-based): chr13:110,198,578, C>G on the plus strand (G>C on the coding strand, the complement: COL4A1 is on the minus strand). VCF-style: chr13-110198578-C-G. GRCh37 (hg19) VCF-style: chr13-110850925-C-G.
Other names: c.1174G>C (NM_001845.4); c.1174G>C, p.Glu392Gln (NM_001303110.2); short protein forms E392Q.
Identifiers: ClinVar variation 2116076 (VCV002116076.5), dbSNP rs1879016353, ClinGen allele CA388724105.

ClinVar aggregate classification (germline): Uncertain significance. Review status: criteria provided, multiple submitters, no conflicts (2 of 4 stars). 2 submissions from 2 submitters: Uncertain significance (2). Last evaluated 2025-06-18.

Conditions:
Inborn genetic diseases. Identifiers: MedGen C0950123, MeSH D030342.

Allele frequency attached by ClinVar (database versions not stated): TOPMed below 0.00001.

Submissions (2):

Ambry Genetics
Classification: Uncertain significance for Inborn genetic diseases. Last evaluated: 2025-06-18. Review status: criteria provided, single submitter. Criteria: Ambry Variant Classification Scheme 2023. Collection method: clinical testing. Allele origin: germline.

Labcorp Genetics (formerly Invitae), Labcorp
Classification: Uncertain significance. Last evaluated: 2023-10-22. Review status: criteria provided, single submitter. Criteria: Invitae Variant Classification Sherloc (09022015). Collection method: clinical testing. Allele origin: germline.
Comment: This sequence change replaces glutamic acid, which is acidic and polar, with glutamine, which is neutral and polar, at codon 392 of the COL4A1 protein (p.Glu392Gln). This variant is not present in population databases (gnomAD no frequency). This variant has not been reported in the literature in individuals affected with COL4A1-related conditions. ClinVar contains an entry for this variant (Variation ID: 2116076). Advanced modeling of protein sequence and biophysical properties (such as structural, functional, and spatial information, amino acid conservation, physicochemical variation, residue mobility, and thermodynamic stability) performed at Invitae indicates that this missense variant is not expected to disrupt COL4A1 protein function. In summary, the available evidence is currently insufficient to determine the role of this variant in disease. Therefore, it has been classified as a Variant of Uncertain Significance.